The following is an entry in ClinVar:

ClinVar aggregate classification (germline): Uncertain significance. Review status: criteria provided, multiple submitters, no conflicts (2 of 4 stars). 2 submissions from 2 submitters: Uncertain significance (2). Last evaluated 2025-10-23.

Conditions:
Hereditary nonpolyposis colorectal neoplasms. Identifiers: MedGen C0009405, MeSH D003123.
Hereditary cancer-predisposing syndrome. Also called: Hereditary neoplastic syndrome; Tumor predisposition; Neoplastic Syndromes, Hereditary; Hereditary Cancer Syndrome. Identifiers: Orphanet 140162, MedGen C0027672, MeSH D009386, MONDO:0015356.

Submissions (2):

Labcorp Genetics (formerly Invitae), Labcorp
Classification: Uncertain significance for Hereditary nonpolyposis colorectal neoplasms. Last evaluated: 2025-10-23. Review status: criteria provided, single submitter. Criteria: Invitae Variant Classification Sherloc (09022015). Collection method: clinical testing. Allele origin: germline.
Comment: This sequence change replaces arginine, which is basic and polar, with lysine, which is basic and polar, at codon 379 of the MSH6 protein (p.Arg379Lys). This variant is not present in population databases (gnomAD no frequency). This variant has not been reported in the literature in individuals affected with MSH6-related conditions. ClinVar contains an entry for this variant (Variation ID: 954752). Invitae Evidence Modeling of protein sequence and biophysical properties (such as structural, functional, and spatial information, amino acid conservation, physicochemical variation, residue mobility, and thermodynamic stability) indicates that this missense variant is not expected to disrupt MSH6 protein function with a negative predictive value of 95%. In summary, the available evidence is currently insufficient to determine the role of this variant in disease. Therefore, it has been classified as a Variant of Uncertain Significance.

Ambry Genetics
Classification: Uncertain significance for Hereditary cancer-predisposing syndrome. Last evaluated: 2023-03-24. Review status: criteria provided, single submitter. Criteria: Ambry Variant Classification Scheme 2023. Collection method: clinical testing. Allele origin: germline.
Comment: The p.R379K variant (also known as c.1136G>A), located in coding exon 4 of the MSH6 gene, results from a G to A substitution at nucleotide position 1136. The arginine at codon 379 is replaced by lysine, an amino acid with highly similar properties. This amino acid position is conserved. In addition, this alteration is predicted to be tolerated by in silico analysis. Since supporting evidence is limited at this time, the clinical significance of this alteration remains unclear.

NM_000179.3(MSH6):c.1136G>A (p.Arg379Lys)

Gene: MSH6 (mutS homolog 6; plus strand). Cytogenetic location: 2p16.3.
Variant type: single nucleotide variant.
Coding change: c.1136G>A on transcript NM_000179.3 (MANE Select); coding-DNA position 1136, G replaced by A.
Protein change: p.Arg379Lys; replaces arginine 379 with lysine.
Molecular consequence: missense variant.
Genome position (GRCh38, 1-based): chr2:47,799,119, G>A. VCF-style: chr2-47799119-G-A. GRCh37 (hg19) VCF-style: chr2-48026258-G-A.
Other names: c.746G>A, p.Arg249Lys (NM_001281492.2); c.230G>A, p.Arg77Lys (NM_001281493.2, NM_001281494.2); short protein forms R249K, R77K, R379K.
Identifiers: ClinVar variation 954752 (VCV000954752.12), dbSNP rs1669298589, ClinGen allele CA346742118.
Genomic context (GRCh38, chr2:47,799,119, plus strand): 5'-GTAGTCGCCCTACTGTTTGGTATCATGAAACTTTAGAATGGCTTAAGGAGGAAAAGAGAA[G>A]AGATGAGCACAGGAGGAGGCCTGATCACCCCGATTTTGATGCATCTACACTCTATGTGCC-3'
Protein context (NP_000170.1, residues 369-389): TLEWLKEEKR[Arg379Lys]DEHRRRPDHP